The following is an entry in ClinVar:

ClinVar aggregate classification (germline): Uncertain significance. Review status: criteria provided, multiple submitters, no conflicts (2 of 4 stars). 3 submissions from 3 submitters: Uncertain significance (2). 1 of the submissions does not count toward it. Last evaluated 2025-11-17.

Conditions:
Inborn genetic diseases. Identifiers: MedGen C0950123, MeSH D030342.
Dyskeratosis congenita, autosomal recessive 5 (DKCB5). Identifiers: MedGen C3554656, MONDO:0014076, OMIM 615190.
Pulmonary fibrosis and/or bone marrow failure, Telomere-related, 3. Also called: PULMONARY FIBROSIS AND/OR BONE MARROW FAILURE SYNDROME, TELOMERE-RELATED, 3. Identifiers: Orphanet 2032, MedGen C4225346, MONDO:0014613, OMIM 616373.
Dyskeratosis congenita. Identifiers: Orphanet 1775, MedGen C0265965, MONDO:0015780.

Allele frequency attached by ClinVar (database versions not stated): gnomAD 0.00001; gnomAD exomes 0.00003 and 0.00004; ExAC 0.00005; TOPMed 0.00005.
gnomAD v4.1: 40 of 1,612,554 alleles (0.0025%); highest among the groups gnomAD compares: East Asian, 0.062%; no homozygotes.

Submissions (3):

Labcorp Genetics (formerly Invitae), Labcorp
Classification: Uncertain significance for Dyskeratosis congenita, autosomal recessive 5; Pulmonary fibrosis and/or bone marrow failure, Telomere-related, 3. Last evaluated: 2025-11-17. Review status: criteria provided, single submitter. Criteria: Invitae Variant Classification Sherloc (09022015). Collection method: clinical testing. Allele origin: germline.
Comment: This sequence change replaces alanine, which is neutral and non-polar, with valine, which is neutral and non-polar, at codon 1085 of the RTEL1 protein (p.Ala1085Val). This variant is present in population databases (rs771545243, gnomAD 0.02%). This variant has not been reported in the literature in individuals affected with RTEL1-related conditions. This variant is also known as c.3326C>T (p.Ala1109Val). ClinVar contains an entry for this variant (Variation ID: 1063054). An algorithm developed to predict the effect of missense changes on protein structure and function (PolyPhen-2) suggests that this variant is likely to be tolerated. In summary, the available evidence is currently insufficient to determine the role of this variant in disease. Therefore, it has been classified as a Variant of Uncertain Significance.

Ambry Genetics
Classification: Uncertain significance for Inborn genetic diseases. Last evaluated: 2024-01-23. Review status: criteria provided, single submitter. Criteria: Ambry Variant Classification Scheme 2023. Collection method: clinical testing. Allele origin: germline.

Natera, Inc.
Classification: Uncertain significance for Dyskeratosis congenita. Last evaluated: 2021-09-21. Review status: no assertion criteria provided. Collection method: clinical testing. Allele origin: germline. Not counted in ClinVar's aggregate classification.

NM_001283009.2(RTEL1):c.3254C>T (p.Ala1085Val)

Genes: RTEL1 (regulator of telomere elongation helicase 1; plus strand), RTEL1-TNFRSF6B (RTEL1-TNFRSF6B readthrough (NMD candidate); plus strand). Cytogenetic location: 20q13.33.
Variant type: single nucleotide variant.
Coding change: c.3254C>T on transcript NM_001283009.2 (MANE Select); coding-DNA position 3254, C replaced by T.
Protein change: p.Ala1085Val; replaces alanine 1085 with valine.
Molecular consequence: missense variant. On other transcripts: non-coding transcript variant (1).
Genome position (GRCh38, 1-based): chr20:63,694,885, C>T. VCF-style: chr20-63694885-C-T. GRCh37 (hg19) VCF-style: chr20-62326238-C-T.
Other names: c.3326C>T (NM_032957.4); c.2585C>T, p.Ala862Val (NM_001283010.1); c.3254C>T, p.Ala1085Val (NM_016434.4); c.3326C>T, p.Ala1109Val (NM_032957.5); short protein forms A1085V, A1109V, A862V.
Identifiers: ClinVar variation 1063054 (VCV001063054.6), dbSNP rs771545243, ClinGen allele CA9965924.